The following is an entry in ClinVar:

NM_004100.5(EYA4):c.947T>C (p.Leu316Pro)

Gene: EYA4 (EYA transcriptional coactivator and phosphatase 4; plus strand). Cytogenetic location: 6q23.2.
Variant type: single nucleotide variant.
Coding change: c.947T>C on transcript NM_004100.5 (MANE Select); coding-DNA position 947, T replaced by C.
Protein change: p.Leu316Pro; replaces leucine 316 with proline.
Molecular consequence: missense variant.
Genome position (GRCh38, 1-based): chr6:133,468,708, T>C. VCF-style: chr6-133468708-T-C. GRCh37 (hg19) VCF-style: chr6-133789846-T-C.
Other names: c.785T>C, p.Leu262Pro (NM_001301012.2, NM_001370459.1); c.947T>C, p.Leu316Pro (NM_001301013.2, NM_172105.4); c.878T>C, p.Leu293Pro (NM_001370458.1, NM_172103.4); short protein forms L293P, L316P, L262P.
Identifiers: ClinVar variation 3662607 (VCV003662607.2).

ClinVar aggregate classification (germline): Uncertain significance (1 of 4 stars; one submission).

Conditions:
Dilated cardiomyopathy 1J (CMD1J). Also called: CARDIOMYOPATHY, DILATED, WITH SENSORINEURAL HEARING LOSS, AUTOSOMAL DOMINANT. Identifiers: Orphanet 217622, MedGen C1854368, MONDO:0011541, OMIM 605362.

Submission:

Labcorp Genetics (formerly Invitae), Labcorp
Classification: Uncertain significance for Dilated cardiomyopathy 1J. Last evaluated: 2024-11-25. Review status: criteria provided, single submitter. Criteria: Invitae Variant Classification Sherloc (09022015). Collection method: clinical testing. Allele origin: germline.
Comment: This sequence change replaces leucine, which is neutral and non-polar, with proline, which is neutral and non-polar, at codon 316 of the EYA4 protein (p.Leu316Pro). This variant is not present in population databases (gnomAD no frequency). This variant has not been reported in the literature in individuals affected with EYA4-related conditions. An algorithm developed to predict the effect of missense changes on protein structure and function (PolyPhen-2) suggests that this variant is likely to be tolerated. In summary, the available evidence is currently insufficient to determine the role of this variant in disease. Therefore, it has been classified as a Variant of Uncertain Significance.